The following is an entry in ClinVar:

ClinVar aggregate classification (germline): Likely benign. Review status: criteria provided, multiple submitters, no conflicts (2 of 4 stars). 2 submissions from 2 submitters: Likely benign (2). Last evaluated 2025-05-27.

Conditions:
PCNT-related disorder. Also called: PCNT-related condition.

gnomAD v4.1: 8 of 1,613,228 alleles (0.0005%); highest among the groups gnomAD compares: Non-Finnish European, 0.00068%; no homozygotes.

Submissions (2):

PreventionGenetics, part of Exact Sciences
Classification: Likely benign for PCNT-related condition. Last evaluated: 2025-05-27. Review status: criteria provided, single submitter. Criteria: ACMG Guidelines, 2015. Collection method: clinical testing. Allele origin: germline.
Comment: This variant is classified as likely benign based on ACMG/AMP sequence variant interpretation guidelines (Richards et al. 2015 PMID: 25741868, with internal and published modifications).

Labcorp Genetics (formerly Invitae), Labcorp
Classification: Likely benign. Last evaluated: 2024-10-30. Review status: criteria provided, single submitter. Criteria: Invitae Variant Classification Sherloc (09022015). Collection method: clinical testing. Allele origin: germline.

NM_006031.6(PCNT):c.7180-8C>G

Gene: PCNT (pericentrin; plus strand). Cytogenetic location: 21q22.3.
Variant type: single nucleotide variant.
Coding change: c.7180-8C>G on transcript NM_006031.6 (MANE Select); 8 bases into the intron before coding-DNA position 7180, C replaced by G.
Molecular consequence: intron variant.
Genome position (GRCh38, 1-based): chr21:46,425,823, C>G. VCF-style: chr21-46425823-C-G. GRCh37 (hg19) VCF-style: chr21-47845737-C-G.
Other names: c.6826-8C>G (NM_001315529.2); c.7180-8C>G (NM_006031.5).
Identifiers: ClinVar variation 2894272 (VCV002894272.4), dbSNP rs143511166, ClinGen allele CA10080562.